The following is an entry in ClinVar:

NM_030957.4(ADAMTS10):c.2441_2442delinsAA (p.Arg814Gln)

Gene: ADAMTS10 (ADAM metallopeptidase with thrombospondin type 1 motif 10; minus strand). Cytogenetic location: 19p13.2.
Variant type: Indel.
Coding change: c.2441_2442delinsAA on transcript NM_030957.4 (MANE Select); coding-DNA positions 2441 to 2442, GC replaced by AA.
Protein change: p.Arg814Gln; replaces arginine 814 with glutamine.
Molecular consequence: missense variant.
Genome position (GRCh38, 1-based): chr19:8,586,432-8,586,433, GC replaced by TT on the plus strand (GC replaced by AA on the coding strand, the reverse complement: ADAMTS10 is on the minus strand). VCF-style: chr19-8586432-GC-TT. GRCh37 (hg19) VCF-style: chr19-8651316-GC-TT.
Other names: c.902_903delinsAA, p.Arg301Gln (NM_001282352.2); short protein forms R301Q, R814Q.
Identifiers: ClinVar variation 1435540 (VCV001435540.4), dbSNP rs2146043058, ClinGen allele CA2573156098.

ClinVar aggregate classification (germline): Uncertain significance (1 of 4 stars; one submission).

Submission:

Labcorp Genetics (formerly Invitae), Labcorp
Classification: Uncertain significance. Last evaluated: 2023-07-31. Review status: criteria provided, single submitter. Criteria: Invitae Variant Classification Sherloc (09022015). Collection method: clinical testing. Allele origin: germline.
Comment: In summary, the available evidence is currently insufficient to determine the role of this variant in disease. Therefore, it has been classified as a Variant of Uncertain Significance. An algorithm developed to predict the effect of missense changes on protein structure and function (PolyPhen-2) suggests that this variant is likely to be disruptive. ClinVar contains an entry for this variant (Variation ID: 1435540). This variant has not been reported in the literature in individuals affected with ADAMTS10-related conditions. The frequency data for this variant in the population databases is considered unreliable, as metrics indicate poor data quality at this position in the gnomAD database. This sequence change replaces arginine, which is basic and polar, with glutamine, which is neutral and polar, at codon 814 of the ADAMTS10 protein (p.Arg814Gln).